The following is an entry in ClinVar:

NM_001039141.3(TRIOBP):c.1799C>T (p.Thr600Ile)

Gene: TRIOBP (TRIO and F-actin binding protein; plus strand). Cytogenetic location: 22q13.1.
Variant type: single nucleotide variant.
Coding change: c.1799C>T on transcript NM_001039141.3 (MANE Select); coding-DNA position 1799, C replaced by T.
Protein change: p.Thr600Ile; replaces threonine 600 with isoleucine.
Molecular consequence: missense variant.
Genome position (GRCh38, 1-based): chr22:37,724,355, C>T. VCF-style: chr22-37724355-C-T. GRCh37 (hg19) VCF-style: chr22-38120362-C-T.
Other names: short protein forms T600I.
Identifiers: ClinVar variation 1441703 (VCV001441703.6), dbSNP rs2145833240, ClinGen allele CA411462627.

ClinVar aggregate classification (germline): Uncertain significance (1 of 4 stars; one submission).

Submission:

Labcorp Genetics (formerly Invitae), Labcorp
Classification: Uncertain significance. Last evaluated: 2025-09-02. Review status: criteria provided, single submitter. Criteria: Invitae Variant Classification Sherloc (09022015). Collection method: clinical testing. Allele origin: germline.
Comment: This sequence change replaces threonine, which is neutral and polar, with isoleucine, which is neutral and non-polar, at codon 600 of the TRIOBP protein (p.Thr600Ile). This variant is not present in population databases (gnomAD no frequency). This variant has not been reported in the literature in individuals affected with TRIOBP-related conditions. ClinVar contains an entry for this variant (Variation ID: 1441703). An algorithm developed to predict the effect of missense changes on protein structure and function (PolyPhen-2) suggests that this variant is likely to be disruptive. In summary, the available evidence is currently insufficient to determine the role of this variant in disease. Therefore, it has been classified as a Variant of Uncertain Significance.